The following is an entry in ClinVar:

ClinVar aggregate classification (germline): Likely pathogenic. Review status: reviewed by expert panel (3 of 4 stars). 3 submissions from 3 submitters: Likely pathogenic (1). 2 of the submissions do not count toward it. Last evaluated 2024-07-31.

Conditions:
Monogenic diabetes. Identifiers: Orphanet 183625, MedGen C3888631, MONDO:0015967.

Submissions (3):

ClinGen Monogenic Diabetes Variant Curation Expert Panel
Classification: Likely pathogenic for Monogenic diabetes. Last evaluated: 2024-07-31. Review status: reviewed by expert panel. Criteria: ClinGen Diabetes ACMG Specifications HNF4A V2.0.0. Collection method: curation. Allele origin: germline. Inheritance: Autosomal dominant inheritance.
Comment: The c.932G>T variant in the HNF4 homeobox A gene, HNF4A, causes an amino acid change of arginine to leucine at codon 311 (p.(Arg311Leu)) of NM_175914.4. This variant is absent from gnomAD v2.1.1 (PM2_Supporting). This variant is predicted to be deleterious by computational evidence, with a REVEL score of 0.986, which is greater than the MDEP threshold of 0.70 (PP3). Two other missense variants, c.932G>A p.Arg311His and c.931C>T p.Arg311Cys, have been interpreted as pathogenic by the ClinGen MDEP and p.Arg311Leu has a greater Grantham distance than p.Arg311His (PM5_Strong). This variant was identified in an individual with a clinical history highly specific for HNF4A-MODY (MODY probability calculator result >50% and negative genetic testing for HNF1A) (PP4; internal lab contributors). In summary, c.932G>T meets the criteria to be classified as likely pathogenic for monogenic diabetes. ACMG/AMP criteria applied, as specified by the ClinGen MDEP VCEP (specification version 2.0.0, approved 10/11/2023): PM5_Strong, PP3, PP4, PM1_Supporting, PM2_Supporting.

Labcorp Genetics (formerly Invitae), Labcorp
Classification: Uncertain significance. Last evaluated: 2023-03-03. Review status: criteria provided, single submitter. Criteria: Invitae Variant Classification Sherloc (09022015). Collection method: clinical testing. Allele origin: germline. Not counted in ClinVar's aggregate classification.
Comment: This variant has not been reported in the literature in individuals affected with HNF4A-related conditions. In summary, the available evidence is currently insufficient to determine the role of this variant in disease. Therefore, it has been classified as a Variant of Uncertain Significance. This variant disrupts the p.Arg311 amino acid residue in HNF4A. Other variant(s) that disrupt this residue have been determined to be pathogenic (PMID: 25414397, 36257325). This suggests that this residue is clinically significant, and that variants that disrupt this residue are likely to be disease-causing. Advanced modeling of protein sequence and biophysical properties (such as structural, functional, and spatial information, amino acid conservation, physicochemical variation, residue mobility, and thermodynamic stability) has been performed at Invitae for this missense variant, however the output from this modeling did not meet the statistical confidence thresholds required to predict the impact of this variant on HNF4A protein function. ClinVar contains an entry for this variant (Variation ID: 2018786). This variant is not present in population databases (gnomAD no frequency). This sequence change replaces arginine, which is basic and polar, with leucine, which is neutral and non-polar, at codon 311 of the HNF4A protein (p.Arg311Leu).

Genetic Services Laboratory, University of Chicago
Classification: Uncertain significance. Last evaluated: 2022-07-23. Review status: no assertion criteria provided. Collection method: clinical testing. Allele origin: germline. Affected: no. Not counted in ClinVar's aggregate classification.
Comment: DNA sequence analysis of the HNF4A gene demonstrated a sequence change, c.932G>T, in exon 8 that results in an amino acid change, p.Arg311Leu. This sequence change does not appear to have been previously described in individuals with HNF4A-related disorders and has also not been described in population databases such as ExAC and gnomAD. The p.Arg311Leu change affects a highly conserved amino acid residue located in a domain of the HNF4A protein that is known to be functional. In-silico pathogenicity prediction tools (SIFT, PolyPhen2, Align GVGD, REVEL) provide contradictory results for the p.Arg311Leu substitution. Other amino acid substitutions at this position (p.Arg311His, p.Arg311Cys) have been reported in individuals with maturity-onset diabetes of the young (PMID: 24947580, 22060211, 26059258). Due to insufficient evidences and the lack of functional studies, the clinical significance of the p.Arg311Leu change remains unknown at this time. Heterozygous pathogenic variants in HNF4A are associated with Fanconi renotubular syndrome4, with maturity-onset diabetes of the young [OMIM# 616026]

Literature cited by the submitters: PubMed 25414397 (cited by Labcorp Genetics (formerly Invitae), Labcorp); PubMed 36257325 (cited by Labcorp Genetics (formerly Invitae), Labcorp).

NM_175914.5(HNF4A):c.932G>T (p.Arg311Leu)

Gene: HNF4A (hepatocyte nuclear factor 4 alpha; plus strand). Cytogenetic location: 20q13.12.
Variant type: single nucleotide variant.
Coding change: c.932G>T on transcript NM_175914.5 (MANE Select); coding-DNA position 932, G replaced by T.
Protein change: p.Arg311Leu; replaces arginine 311 with leucine.
Molecular consequence: missense variant.
Genome position (GRCh38, 1-based): chr20:44,424,123, G>T. VCF-style: chr20-44424123-G-T. GRCh37 (hg19) VCF-style: chr20-43052763-G-T.
Other names: NM_175914.5(HNF4A):c.932G>T; p.Arg311Leu; c.998G>T, p.Arg333Leu (NM_000457.6, NM_178849.3, NM_178850.3); c.932G>T, p.Arg311Leu (NM_001030003.3, NM_001030004.3); c.977G>T, p.Arg326Leu (NM_001258355.2); c.923G>T, p.Arg308Leu (NM_001287182.2, NM_001287183.2, NM_001287184.2); short protein forms R333L, R311L, R326L, R308L.
Identifiers: ClinVar variation 2018786 (VCV002018786.7), dbSNP rs1375557127, ClinGen allele CA409108272.